The following is an entry in ClinVar:

ClinVar aggregate classification (germline): Likely benign (0 of 4 stars; one submission).

Conditions:
UCP3-related disorder. Also called: UCP3-related condition.

gnomAD v4.1: 7 of 1,606,862 alleles (0.00044%); highest among the groups gnomAD compares: Admixed American, 0.0017%; no homozygotes.

Submission:

PreventionGenetics, part of Exact Sciences
Classification: Likely benign for UCP3-related condition. Last evaluated: 2021-09-22. Review status: no assertion criteria provided. Collection method: clinical testing. Allele origin: germline.
Comment: This variant is classified as likely benign based on ACMG/AMP sequence variant interpretation guidelines (Richards et al. 2015 PMID: 25741868, with internal and published modifications).

NM_003356.4(UCP3):c.186G>C (p.Leu62=)

Gene: UCP3 (uncoupling protein 3; minus strand). Cytogenetic location: 11q13.4.
Variant type: single nucleotide variant.
Coding change: c.186G>C on transcript NM_003356.4 (MANE Select); coding-DNA position 186, G replaced by C.
Protein change: p.Leu62=; no amino-acid change (leucine 62 retained).
Molecular consequence: synonymous variant.
Genome position (GRCh38, 1-based): chr11:74,006,320, C>G on the plus strand (G>C on the coding strand, the complement: UCP3 is on the minus strand). VCF-style: chr11-74006320-C-G. GRCh37 (hg19) VCF-style: chr11-73717365-C-G.
Other names: c.186G>C, p.Leu62= (NM_022803.3).
Identifiers: ClinVar variation 3354730 (VCV003354730.1).
Genomic context (GRCh38, chr11:74,006,320, plus strand): 5'-CACCAGCCCATTGTAGGGGCTGCAGGGACCCTCAGTCCGCACCATGGTCAGGATGGTGCC[C>G]AGCACGCCACGGTACTGCACGAGCCGGGCCGTCTGGACCGCCTGGTTCTCCCCCTGGATC-3'
Protein context (NP_003347.1, residues 52-72): TARLVQYRGV[Leu62=]GTILTMVRTE